The following is an entry in ClinVar:

NM_001366145.2(TRPM3):c.3320G>A (p.Cys1107Tyr)

Gene: TRPM3 (transient receptor potential cation channel subfamily M member 3; minus strand). Cytogenetic location: 9q21.12.
Variant type: single nucleotide variant.
Coding change: c.3320G>A on transcript NM_001366145.2 (MANE Select); coding-DNA position 3320, G replaced by A.
Protein change: p.Cys1107Tyr; replaces cysteine 1107 with tyrosine.
Molecular consequence: missense variant.
Genome position (GRCh38, 1-based): chr9:70,553,214, C>T on the plus strand (G>A on the coding strand, the complement: TRPM3 is on the minus strand). VCF-style: chr9-70553214-C-T. GRCh37 (hg19) VCF-style: chr9-73168130-C-T.
Other names: c.3284G>A, p.Cys1095Tyr (NM_001007471.4, NM_001366151.2); c.3290G>A, p.Cys1097Tyr (NM_001366141.2, NM_001366143.2, NM_001366149.2); c.3326G>A, p.Cys1109Tyr (NM_001366142.2); c.3320G>A, p.Cys1107Tyr (NM_001366146.2); c.3395G>A, p.Cys1132Tyr (NM_001366147.2, NM_001366152.2); c.3365G>A, p.Cys1122Tyr (NM_001366148.2); c.3254G>A, p.Cys1085Tyr (NM_001366150.2); c.2861G>A, p.Cys954Tyr (NM_001366154.2, NM_024971.7); and 5 more; short protein forms C1085Y, C1095Y, C1097Y, C1107Y, C1109Y, C1122Y, C1132Y, C932Y.
Identifiers: ClinVar variation 3373131 (VCV003373131.1).

ClinVar aggregate classification (germline): Uncertain significance (1 of 4 stars; one submission).

Submission:

GeneDx
Classification: Uncertain significance. Last evaluated: 2024-04-30. Review status: criteria provided, single submitter. Criteria: GeneDx Variant Classification Process June 2021. Collection method: clinical testing. Allele origin: germline. Affected: yes.
Comment: Not observed at significant frequency in large population cohorts (gnomAD); In silico analysis supports that this missense variant has a deleterious effect on protein structure/function; Has not been previously published as pathogenic or benign to our knowledge